The following is an entry in ClinVar:

ClinVar aggregate classification (germline): Uncertain significance (1 of 4 stars; one submission).

Submission:

Ambry Genetics
Classification: Uncertain significance. Last evaluated: 2025-02-01. Review status: criteria provided, single submitter. Criteria: Ambry Variant Classification Scheme 2023. Collection method: clinical testing. Allele origin: germline.
Comment: The p.N572S variant (also known as c.1715A>G), located in coding exon 12 of the MYLK2 gene, results from an A to G substitution at nucleotide position 1715. The asparagine at codon 572 is replaced by serine, an amino acid with highly similar properties. This amino acid position is conserved. In addition, this alteration is predicted to be tolerated by in silico analysis. Based on the available evidence, the clinical significance of this variant remains unclear.

NM_033118.4(MYLK2):c.1715A>G (p.Asn572Ser)

Gene: MYLK2 (myosin light chain kinase 2; plus strand). Cytogenetic location: 20q11.21.
Variant type: single nucleotide variant.
Coding change: c.1715A>G on transcript NM_033118.4 (MANE Select); coding-DNA position 1715, A replaced by G.
Protein change: p.Asn572Ser; replaces asparagine 572 with serine.
Molecular consequence: missense variant.
Genome position (GRCh38, 1-based): chr20:31,833,721, A>G. VCF-style: chr20-31833721-A-G. GRCh37 (hg19) VCF-style: chr20-30421524-A-G.
Other names: short protein forms N572S.
Identifiers: ClinVar variation 3876608 (VCV003876608.1).